The following is an entry in ClinVar:

ClinVar aggregate classification (germline): Conflicting classifications of pathogenicity. Review status: criteria provided, conflicting classifications (1 of 4 stars). 2 submissions from 2 submitters: Uncertain significance (1); Benign (1). Last evaluated 2025-10-28.

Conditions:
Familial cancer of breast. Also called: Hereditary breast cancer; hereditary breast carcinoma; BREAST CANCER, FAMILIAL. Identifiers: Orphanet 227535, MedGen C0346153, MONDO:0016419, OMIM 114480. Disease mechanism: loss of function.
Hereditary cancer-predisposing syndrome. Also called: Neoplastic Syndromes, Hereditary; Hereditary Cancer Syndrome; Hereditary neoplastic syndrome; Tumor predisposition. Identifiers: Orphanet 140162, MedGen C0027672, MeSH D009386, MONDO:0015356.

Submissions (2):

Ambry Genetics
Classification: Benign for Hereditary cancer-predisposing syndrome. Last evaluated: 2025-10-28. Review status: criteria provided, single submitter. Criteria: Ambry Variant Classification Scheme 2023. Collection method: clinical testing. Allele origin: germline.

Neuberg Centre For Genomic Medicine, NCGM
Classification: Uncertain significance for Familial cancer of breast. Review status: criteria provided, single submitter. Criteria: ACMG Guidelines, 2015. Collection method: clinical testing. Allele origin: germline. Inheritance: Autosomal dominant inheritance. Affected: yes.
Comment: The missense variant c.2183C>T (p.Ser728Phe) in BARD1 gene has been previously reported in an individual affected with breast cancer (Tung et al. 2016). It has an allele count higher than expected for a pathogenic variant (Kobayashi et al. 2017). The p.Ser728Phe variant is novel (not in any individuals) in 1000 Genomes and is present in the gnomAD database with a frequency of 0.006%. This variant has been reported to the ClinVar database as Uncertain Significance. The amino acid Ser at position 728 is changed to a Phe changing protein sequence and it might alter its composition and physico-chemical properties. The variant is predicted to be damaging by both SIFT and PolyPhen2. The residue is conserved across species. The amino acid change p.Ser728Phe in BARD1 is predicted as conserved by GERP++ and PhyloP across 100 vertebrates. For these reasons, this variant has been classified as Uncertain Significance

NM_058216.3(RAD51C):c.619C>T (p.His207Tyr)

Genes: RAD51C (RAD51 paralog C; plus strand), LOC129390903 (MPRA-validated peak2919 silencer; plus strand). Cytogenetic location: 17q22.
Variant type: single nucleotide variant.
Coding change: c.619C>T on transcript NM_058216.3 (MANE Select); coding-DNA position 619, C replaced by T.
Protein change: p.His207Tyr; replaces histidine 207 with tyrosine.
Molecular consequence: missense variant. On other transcripts: non-coding transcript variant (1).
Genome position (GRCh38, 1-based): chr17:58,703,243, C>T. VCF-style: chr17-58703243-C-T. GRCh37 (hg19) VCF-style: chr17-56780604-C-T.
Other names: c.*47C>T (NM_058217.1); short protein forms H207Y.
Identifiers: ClinVar variation 2562777 (VCV002562777.3), dbSNP rs2143798127, ClinGen allele CA400349383.